The following is an entry in ClinVar:

NM_018684.4(ZC4H2):c.576del (p.His193fs)

Gene: ZC4H2 (zinc finger C4H2-type containing; minus strand). Cytogenetic location: Xq11.2.
Variant type: Deletion.
Coding change: c.576del on transcript NM_018684.4 (MANE Select); coding-DNA position 576, one base deleted (T; older notation c.576delT).
Protein change: p.His193fs; shifts the reading frame from histidine 193.
Molecular consequence: frameshift variant. On other transcripts: non-coding transcript variant (1).
Genome position (GRCh38, 1-based): chrX:64,917,882, A deleted on the plus strand (T on the coding strand, the reverse complement: ZC4H2 is on the minus strand). VCF-style (leftmost placement, unchanged base first): chrX-64917881-GA-G. GRCh37 (hg19) VCF-style: chrX-64137761-GA-G.
Other names: c.507del, p.His170fs (NM_001178032.3, NM_001243804.2); c.413del, p.Val138fs (NM_001178033.3); short protein forms H193fs, V138fs, H170fs.
Identifiers: ClinVar variation 930303 (VCV000930303.3), dbSNP rs1929007323, ClinGen allele CA1139667599.
Genomic context (GRCh38, chrX:64,917,881, plus strand): 5'-GGGACCGACTCTTGGCCTTGCAAAGAGGGCATATAGGTGCATTCCGGTGAATTTGCTGGT[GA>G]CATGACAAGCAGGCCTGGTGAGGGACACAGGAAAAAGAAAGTTAGTAGTCAGATTCTTCC-3'

ClinVar aggregate classification (germline): Pathogenic (1 of 4 stars; one submission).

Conditions:
Wieacker-Wolff syndrome. Also called: Intellectual disability-developmental delay-contractures syndrome; Wieacker-Wolff, X-linked recessive; APRAXIA, OCULOMOTOR, WITH CONGENITAL CONTRACTURES AND MUSCLE ATROPHY; CONTRACTURES OF FEET, MUSCLE ATROPHY, AND OCULOMOTOR APRAXIA; MENTAL RETARDATION, X-LINKED, SYNDROMIC 4; MENTAL RETARDATION, X-LINKED, WITH CONGENITAL CONTRACTURES AND LOW FINGERTIP ARCHES. Identifiers: Orphanet 3454, Orphanet 85283, MedGen C0796200, MONDO:0010758, OMIM 314580.

Submission:

Centre for Mendelian Genomics, University Medical Centre Ljubljana
Classification: Pathogenic for Wieacker-Wolff syndrome. Last evaluated: 2020-01-28. Review status: criteria provided, single submitter. Criteria: ACMG Guidelines, 2015. Collection method: clinical testing. Allele origin: unknown. Affected: yes.
Comment: This variant was classified as: Pathogenic. The following ACMG criteria were applied in classifying this variant: PVS1,PM2,PM6.